The following is an entry in ClinVar:

NM_001134831.2(AHI1):c.1975G>T (p.Asp659Tyr)

Gene: AHI1 (Abelson helper integration site 1; minus strand). Cytogenetic location: 6q23.3.
Variant type: single nucleotide variant.
Coding change: c.1975G>T on transcript NM_001134831.2 (MANE Select); coding-DNA position 1975, G replaced by T.
Protein change: p.Asp659Tyr; replaces aspartic acid 659 with tyrosine.
Molecular consequence: missense variant.
Genome position (GRCh38, 1-based): chr6:135,438,436, C>A on the plus strand (G>T on the coding strand, the complement: AHI1 is on the minus strand). VCF-style: chr6-135438436-C-A. GRCh37 (hg19) VCF-style: chr6-135759574-C-A.
Other names: c.1975G>T, p.Asp659Tyr (NM_001134830.2, NM_001134832.2, NM_001350503.2 and 2 more transcripts); short protein forms D659Y.
Identifiers: ClinVar variation 1021291 (VCV001021291.9), dbSNP rs1323210459, ClinGen allele CA365744254.

ClinVar aggregate classification (germline): Uncertain significance (1 of 4 stars; one submission).

Conditions:
Joubert syndrome. Also called: Familial aplasia of the vermis; CEREBELLOPARENCHYMAL DISORDER IV; JOUBERT-BOLTSHAUSER SYNDROME. Identifiers: Orphanet 475, MedGen C5979921, MONDO:0018772.

Submission:

Labcorp Genetics (formerly Invitae), Labcorp
Classification: Uncertain significance for Joubert syndrome. Last evaluated: 2020-07-09. Review status: criteria provided, single submitter. Criteria: Invitae Variant Classification Sherloc (09022015). Collection method: clinical testing. Allele origin: germline.
Comment: This sequence change replaces aspartic acid with tyrosine at codon 659 of the AHI1 protein (p.Asp659Tyr). The aspartic acid residue is highly conserved and there is a large physicochemical difference between aspartic acid and tyrosine. This variant is not present in population databases (ExAC no frequency). This variant has not been reported in the literature in individuals with AHI1-related conditions. Algorithms developed to predict the effect of missense changes on protein structure and function are either unavailable or do not agree on the potential impact of this missense change (SIFT: "Deleterious"; PolyPhen-2: "Probably Damaging"; Align-GVGD: "Class C15"). In summary, the available evidence is currently insufficient to determine the role of this variant in disease. Therefore, it has been classified as a Variant of Uncertain Significance.